The following is an entry in ClinVar:

NM_000512.5(GALNS):c.451C>T (p.Pro151Ser)

Gene: GALNS (galactosamine (N-acetyl)-6-sulfatase; minus strand). Cytogenetic location: 16q24.3.
Variant type: single nucleotide variant.
Coding change: c.451C>T on transcript NM_000512.5 (MANE Select); coding-DNA position 451, C replaced by T.
Protein change: p.Pro151Ser; replaces proline 151 with serine.
Molecular consequence: missense variant. On other transcripts: 5 prime UTR variant (1).
Genome position (GRCh38, 1-based): chr16:88,837,737, G>A on the plus strand (C>T on the coding strand, the complement: GALNS is on the minus strand). VCF-style: chr16-88837737-G-A. GRCh37 (hg19) VCF-style: chr16-88904145-G-A.
Other names: c.-105C>T (NM_001323543.2); c.469C>T, p.Pro157Ser (NM_001323544.2); short protein forms P151S, P157S.
Identifiers: ClinVar variation 1048460 (VCV001048460.3), dbSNP rs781439830, ClinGen allele CA397083508.

ClinVar aggregate classification (germline): Uncertain significance (1 of 4 stars; one submission).

Conditions:
Mucopolysaccharidosis, MPS-IV-A (MPS4A). Also called: Mucopolysaccharidosis type IV A; Mucopolysaccharidosis Type IVA; Morquio syndrome A, mild; MORQUIO SYNDROME A; MPS IVA; mucopolysaccharidosis type 4A. Identifiers: Orphanet 309297, Orphanet 582, MedGen C0086651, MONDO:0009659, OMIM 253000.

Submission:

Laboratory of Diagnosis and Therapy of Lysosomal Disorders, University of Padova
Classification: Uncertain significance for Mucopolysaccharidosis, MPS-IV-A. Last evaluated: 2021-02-01. Review status: criteria provided, single submitter. Criteria: ACMG Guidelines, 2015. Collection method: curation. Allele origin: germline. Affected: yes.
Comment: In vitro functional studies supportive of a damaging effect on the gene product (low in vitro enzymatic activity; PS3_supporting); absent from gnomAD v2.1.1 (PM2_moderate); multiple lines of computational evidence support a deleterious effect on the gene (PP3_supporting)

Literature cited by the submitters: PubMed 7795586; PubMed 34387910.